The following is an entry in ClinVar:

NM_001283009.2(RTEL1):c.983C>G (p.Ala328Gly)

Genes: RTEL1 (regulator of telomere elongation helicase 1; plus strand), RTEL1-TNFRSF6B (RTEL1-TNFRSF6B readthrough (NMD candidate); plus strand). Cytogenetic location: 20q13.33.
Variant type: single nucleotide variant.
Coding change: c.983C>G on transcript NM_001283009.2 (MANE Select); coding-DNA position 983, C replaced by G.
Protein change: p.Ala328Gly; replaces alanine 328 with glycine.
Molecular consequence: missense variant. On other transcripts: non-coding transcript variant (1).
Genome position (GRCh38, 1-based): chr20:63,678,292, C>G. VCF-style: chr20-63678292-C-G. GRCh37 (hg19) VCF-style: chr20-62309645-C-G.
Other names: c.314C>G, p.Ala105Gly (NM_001283010.1); c.983C>G, p.Ala328Gly (NM_016434.4); c.1055C>G, p.Ala352Gly (NM_032957.5); short protein forms A105G, A328G, A352G.
Identifiers: ClinVar variation 1007680 (VCV001007680.10), dbSNP rs561033103, ClinGen allele CA317500262.

ClinVar aggregate classification (germline): Uncertain significance. Review status: criteria provided, multiple submitters, no conflicts (2 of 4 stars). 3 submissions from 3 submitters: Uncertain significance (3). Last evaluated 2025-04-29.

Conditions:
Inborn genetic diseases. Identifiers: MedGen C0950123, MeSH D030342.
Pulmonary fibrosis and/or bone marrow failure, Telomere-related, 3. Also called: PULMONARY FIBROSIS AND/OR BONE MARROW FAILURE SYNDROME, TELOMERE-RELATED, 3. Identifiers: Orphanet 2032, MedGen C4225346, MONDO:0014613, OMIM 616373.
Dyskeratosis congenita, autosomal recessive 5 (DKCB5). Identifiers: MedGen C3554656, MONDO:0014076, OMIM 615190.

Allele frequency attached by ClinVar (database versions not stated): gnomAD 0.00001; gnomAD exomes 0.00001; 1000 Genomes Project 30x 0.00016; 1000 Genomes Project 0.00020.
gnomAD v4.1: 18 of 1,612,372 alleles (0.0011%); highest among the groups gnomAD compares: African/African-American, 0.015%; no homozygotes.

Submissions (3):

Labcorp Genetics (formerly Invitae), Labcorp
Classification: Uncertain significance for Dyskeratosis congenita, autosomal recessive 5; Pulmonary fibrosis and/or bone marrow failure, Telomere-related, 3. Last evaluated: 2025-04-29. Review status: criteria provided, single submitter. Criteria: Invitae Variant Classification Sherloc (09022015). Collection method: clinical testing. Allele origin: germline.
Comment: This sequence change replaces alanine, which is neutral and non-polar, with glycine, which is neutral and non-polar, at codon 328 of the RTEL1 protein (p.Ala328Gly). This variant is not present in population databases (gnomAD no frequency). This variant has not been reported in the literature in individuals affected with RTEL1-related conditions. This variant is also known as c.1055C>G (p.Ala352Gly). ClinVar contains an entry for this variant (Variation ID: 1007680). An algorithm developed to predict the effect of missense changes on protein structure and function (PolyPhen-2) suggests that this variant is likely to be tolerated. In summary, the available evidence is currently insufficient to determine the role of this variant in disease. Therefore, it has been classified as a Variant of Uncertain Significance.

Ambry Genetics
Classification: Uncertain significance for Inborn genetic diseases. Last evaluated: 2025-01-08. Review status: criteria provided, single submitter. Criteria: Ambry Variant Classification Scheme 2023. Collection method: clinical testing. Allele origin: germline.
Comment: The p.A328G variant (also known as c.983C>G), located in coding exon 11 of the RTEL1 gene, results from a C to G substitution at nucleotide position 983. The alanine at codon 328 is replaced by glycine, an amino acid with similar properties. This amino acid position is conserved. In addition, the in silico prediction for this alteration is inconclusive. Based on the available evidence, the clinical significance of this variant remains unclear.

Blueprint Genetics
Classification: Uncertain significance. Last evaluated: 2022-08-30. Review status: criteria provided, single submitter. Criteria: ACMG Guidelines, 2015. Collection method: clinical testing. Allele origin: germline.